The following is an entry in ClinVar:

NM_000179.3(MSH6):c.261-7G>T

Gene: MSH6 (mutS homolog 6; plus strand). Cytogenetic location: 2p16.3.
Variant type: single nucleotide variant.
Coding change: c.261-7G>T on transcript NM_000179.3 (MANE Select); 7 bases into the intron before coding-DNA position 261, G replaced by T.
Molecular consequence: intron variant.
Genome position (GRCh38, 1-based): chr2:47,790,920, G>T. VCF-style: chr2-47790920-G-T. GRCh37 (hg19) VCF-style: chr2-48018059-G-T.
Other names: c.-476-7G>T (NM_001281493.2); c.237+7450G>T (NM_001281492.2); c.-642-7G>T (NM_001281494.2).
Identifiers: ClinVar variation 1654037 (VCV001654037.9), dbSNP rs1294490192, ClinGen allele CA769477013.

ClinVar aggregate classification (germline): Likely benign. Review status: criteria provided, multiple submitters, no conflicts (2 of 4 stars). 2 submissions from 2 submitters: Likely benign (2). Last evaluated 2024-12-18.

Conditions:
Lynch syndrome 5 (LYNCH5). Also called: Colorectal cancer, hereditary nonpolyposis, type 5; Hereditary non-polyposis colorectal cancer, type 5. Identifiers: Orphanet 144, MedGen C1833477, MONDO:0013710, OMIM 614350. Disease mechanism: loss of function.
Hereditary nonpolyposis colorectal neoplasms. Identifiers: MedGen C0009405, MeSH D003123.

Allele frequency attached by ClinVar (database versions not stated): TOPMed below 0.00001; gnomAD 0.00001.
gnomAD v4.1: 1 of 1,613,872 alleles (0.000062%); highest among the groups gnomAD compares: Non-Finnish European, 0.000085%; no homozygotes.

Submissions (2):

Myriad Genetics, Inc.
Classification: Likely benign for Lynch syndrome 5. Last evaluated: 2024-12-18. Review status: criteria provided, single submitter. Criteria: Myriad Autosomal Dominant, Autosomal Recessive and X-Linked Classification Criteria (2023). Collection method: clinical testing. Allele origin: unknown.
Comment: This variant is considered likely benign. This variant is intronic and is not expected to impact mRNA splicing.

Labcorp Genetics (formerly Invitae), Labcorp
Classification: Likely benign for Hereditary nonpolyposis colorectal neoplasms. Last evaluated: 2024-04-16. Review status: criteria provided, single submitter. Criteria: Invitae Variant Classification Sherloc (09022015). Collection method: clinical testing. Allele origin: germline.